The following is an entry in ClinVar:

NM_005687.5(FARSB):c.-5A>C

Gene: FARSB (phenylalanyl-tRNA synthetase subunit beta; minus strand). Cytogenetic location: 2q36.1.
Variant type: single nucleotide variant.
Coding change: c.-5A>C on transcript NM_005687.5 (MANE Select); 5 bases upstream of the start codon, A replaced by C.
Molecular consequence: 5 prime UTR variant. On other transcripts: non-coding transcript variant (1).
Genome position (GRCh38, 1-based): chr2:222,656,078, T>G on the plus strand (A>C on the coding strand, the complement: FARSB is on the minus strand). VCF-style: chr2-222656078-T-G. GRCh37 (hg19) VCF-style: chr2-223520797-T-G.
Identifiers: ClinVar variation 3056109 (VCV003056109.2), dbSNP rs12467164, ClinGen allele CA2136808.

ClinVar aggregate classification (germline): Benign (0 of 4 stars; one submission).

Conditions:
FARSB-related disorder. Also called: FARSB-related condition.

Allele frequency attached by ClinVar (database versions not stated): 1000 Genomes Project 0.07149; ESP Exome Variant Server 0.07168; 1000 Genomes Project 30x 0.07527.
gnomAD v4.1: 42,665 of 1,591,326 alleles (2.7%); highest among the groups gnomAD compares: African/African-American, 19%; 1,835 homozygotes.

Submission:

PreventionGenetics, part of Exact Sciences
Classification: Benign for FARSB-related condition. Last evaluated: 2019-12-03. Review status: no assertion criteria provided. Collection method: clinical testing. Allele origin: germline.
Comment: This variant is classified as benign based on ACMG/AMP sequence variant interpretation guidelines (Richards et al. 2015 PMID: 25741868, with internal and published modifications).